The following is an entry in ClinVar:

NM_001378964.1(CDON):c.1757dup (p.Gln587fs)

Gene: CDON (cell adhesion associated, oncogene regulated; minus strand). Cytogenetic location: 11q24.2.
Variant type: Duplication.
Coding change: c.1757dup on transcript NM_001378964.1 (MANE Select); coding-DNA position 1757, one base duplicated (C; older notation c.1757dupC).
Protein change: p.Gln587fs; shifts the reading frame from glutamine 587.
Molecular consequence: frameshift variant.
Genome position (GRCh38, 1-based): chr11:126,005,853, G duplicated on the plus strand (C on the coding strand, the reverse complement: CDON is on the minus strand); the first of 6 consecutive G bases (chr11:126,005,853-126,005,858); duplicating any one gives the same sequence. VCF-style (leftmost placement, unchanged base first): chr11-126005852-T-TG. GRCh37 (hg19) VCF-style: chr11-125875747-T-TG.
Other names: c.1752dup, p.Gln587Thrfs (NM_001243597.3, NM_016952.6); short protein forms Q587fs.
Identifiers: ClinVar variation 3696896 (VCV003696896.2).

ClinVar aggregate classification (germline): Uncertain significance (1 of 4 stars; one submission).

Conditions:
Holoprosencephaly 11 (HPE11). Identifiers: Orphanet 2162, MedGen C3280215, MONDO:0013642, OMIM 614226.

Submission:

Labcorp Genetics (formerly Invitae), Labcorp
Classification: Uncertain significance for Holoprosencephaly 11. Last evaluated: 2024-09-23. Review status: criteria provided, single submitter. Criteria: Invitae Variant Classification Sherloc (09022015). Collection method: clinical testing. Allele origin: germline.
Comment: This sequence change creates a premature translational stop signal (p.Gln587Thrfs*34) in the CDON gene. It is expected to result in an absent or disrupted protein product. However, the current clinical and genetic evidence is not sufficient to establish whether loss-of-function variants in CDON cause disease. This variant is not present in population databases (gnomAD no frequency). This variant has not been reported in the literature in individuals affected with CDON-related conditions. In summary, the available evidence is currently insufficient to determine the role of this variant in disease. Therefore, it has been classified as a Variant of Uncertain Significance.